The following is an entry in ClinVar:

NM_001377.3(DYNC2H1):c.11725+2T>C

Gene: DYNC2H1 (dynein cytoplasmic 2 heavy chain 1; plus strand). Cytogenetic location: 11q22.3.
Variant type: single nucleotide variant.
Coding change: c.11725+2T>C on transcript NM_001377.3 (MANE Select); the canonical splice donor site of the intron after coding-DNA position 11725, T replaced by C.
Molecular consequence: splice donor variant.
Genome position (GRCh38, 1-based): chr11:103,316,622, T>C. VCF-style: chr11-103316622-T-C. GRCh37 (hg19) VCF-style: chr11-103187351-T-C.
Other names: c.11746+2T>C (NM_001080463.2).
Identifiers: ClinVar variation 2628492 (VCV002628492.1), dbSNP rs2496922930, ClinGen allele CA382266994.
Genomic context (GRCh38, chr11:103,316,622, plus strand): 5'-TGAATTTTCTTTATCAGATCTTCGGGCTGGGTACAACATTATTGACAGACTTTTTGATGG[T>C]AAGTTCTAACAAAAATTTTAATCTCATATTAATAAAATATTTTATCTGAGGTCTTATTAA-3'

ClinVar aggregate classification (germline): Pathogenic (1 of 4 stars; one submission).

Conditions:
DYNC2H1-related disorder. Also called: DYNC2H1-related condition; DYNC2H1-related disorders. Identifiers: MedGen CN378770.

Submission:

PreventionGenetics, part of Exact Sciences
Classification: Pathogenic for DYNC2H1-related condition. Last evaluated: 2023-07-12. Review status: criteria provided, single submitter. Criteria: ACMG Guidelines, 2015. Collection method: clinical testing. Allele origin: germline.
Comment: The DYNC2H1 c.11746+2T>C variant is predicted to disrupt the GT donor site and interfere with normal splicing. To our knowledge, this variant has not been reported in the literature or in a large population database, indicating this variant is rare. Variants that disrupt the consensus splice donor site in DYNC2H1 are expected to be pathogenic. This variant is interpreted as pathogenic.